The following is an entry in ClinVar:

ClinVar aggregate classification (germline): Uncertain significance (1 of 4 stars; one submission).

gnomAD v4.1: 2 of 1,610,772 alleles (0.00012%); highest among the groups gnomAD compares: Admixed American, 0.0017%; no homozygotes.

Submission:

Women's Health and Genetics/Laboratory Corporation of America, LabCorp
Classification: Uncertain significance. Last evaluated: 2024-09-30. Review status: criteria provided, single submitter. Criteria: LabCorp Variant Classification Summary - May 2015. Collection method: clinical testing. Allele origin: germline.
Comment: Variant summary: TTN c.10639+5A>G alters a conserved nucleotide located close to a canonical splice site and therefore could affect mRNA splicing, leading to a significantly altered protein sequence. Consensus agreement among computation tools predict no significant impact on normal splicing. However, these predictions have yet to be confirmed by functional studies. The variant allele was found at a frequency of 4e-06 in 247276 control chromosomes (gnomAD). The available data on variant occurrences in the general population are insufficient to allow any conclusion about variant significance. To our knowledge, no occurrence of c.10639+5A>G in individuals affected with Limb-Girdle Muscular Dystrophy, Type 2J and no experimental evidence demonstrating its impact on protein function have been reported. No submitters have cited clinical-significance assessments for this variant to ClinVar. Based on the evidence outlined above, the variant was classified as uncertain significance.

NM_001267550.2(TTN):c.14371+5A>G

Gene: TTN (titin; minus strand). Cytogenetic location: 2q31.2.
Variant type: single nucleotide variant.
Coding change: c.14371+5A>G on transcript NM_001267550.2 (MANE Select); 5 bases into the intron after coding-DNA position 14371, A replaced by G.
Molecular consequence: intron variant.
Genome position (GRCh38, 1-based): chr2:178,738,077, T>C on the plus strand (A>G on the coding strand, the complement: TTN is on the minus strand). VCF-style: chr2-178738077-T-C. GRCh37 (hg19) VCF-style: chr2-179602804-T-C.
Other names: c.13282+5A>G (NM_003319.4); c.13858+5A>G (NM_133437.4); c.13657+5A>G (NM_133432.3); c.10639+5A>G (NM_133378.4); c.13420+5A>G (NM_001256850.1).
Identifiers: ClinVar variation 3374907 (VCV003374907.1).